The following is an entry in ClinVar:

NM_001025616.3(ARHGAP24):c.54G>C (p.Gln18His)

Gene: ARHGAP24 (Rho GTPase activating protein 24; plus strand). Cytogenetic location: 4q21.23.
Variant type: single nucleotide variant.
Coding change: c.54G>C on transcript NM_001025616.3 (MANE Select); coding-DNA position 54, G replaced by C.
Protein change: p.Gln18His; replaces glutamine 18 with histidine.
Molecular consequence: missense variant.
Genome position (GRCh38, 1-based): chr4:85,570,595, G>C. VCF-style: chr4-85570595-G-C. GRCh37 (hg19) VCF-style: chr4-86491748-G-C.
Other names: short protein forms Q18H.
Identifiers: ClinVar variation 3572693 (VCV003572693.1).

ClinVar aggregate classification (germline): Uncertain significance (1 of 4 stars; one submission).

gnomAD v4.1: 1 of 1,614,116 alleles (0.000062%); highest among the groups gnomAD compares: Middle Eastern, 0.016%; no homozygotes.

Submission:

GeneDx
Classification: Uncertain significance. Last evaluated: 2024-07-08. Review status: criteria provided, single submitter. Criteria: GeneDx Variant Classification Process June 2021. Collection method: clinical testing. Allele origin: germline. Affected: yes.
Comment: Not observed at significant frequency in large population cohorts (gnomAD); In silico analysis indicates that this missense variant does not alter protein structure/function; Has not been previously published as pathogenic or benign to our knowledge